The following is an entry in ClinVar:

NM_015231.3(NUP160):c.2722T>C (p.Phe908Leu)

Gene: NUP160 (nucleoporin 160; minus strand). Cytogenetic location: 11p11.2.
Variant type: single nucleotide variant.
Coding change: c.2722T>C on transcript NM_015231.3 (MANE Select); coding-DNA position 2722, T replaced by C.
Protein change: p.Phe908Leu; replaces phenylalanine 908 with leucine.
Molecular consequence: missense variant. On other transcripts: non-coding transcript variant (1).
Genome position (GRCh38, 1-based): chr11:47,801,882, A>G on the plus strand (T>C on the coding strand, the complement: NUP160 is on the minus strand). VCF-style: chr11-47801882-A-G. GRCh37 (hg19) VCF-style: chr11-47823434-A-G.
Other names: c.2824T>C (NM_015231.1); short protein forms F908L.
Identifiers: ClinVar variation 2194759 (VCV002194759.3), dbSNP rs181012736, ClinGen allele CA5980885.

ClinVar aggregate classification (germline): Uncertain significance. Review status: criteria provided, multiple submitters, no conflicts (2 of 4 stars). 2 submissions from 2 submitters: Uncertain significance (2). Last evaluated 2025-08-12.

Allele frequency attached by ClinVar (database versions not stated): ExAC 0.00001; gnomAD exomes 0.00002; gnomAD 0.00017; 1000 Genomes Project 30x 0.00031; 1000 Genomes Project 0.00040; TOPMed 0.00044.
gnomAD v4.1: 68 of 1,613,942 alleles (0.0042%); highest among the groups gnomAD compares: Admixed American, 0.093%; no homozygotes.

Submissions (2):

Ambry Genetics
Classification: Uncertain significance. Last evaluated: 2025-08-12. Review status: criteria provided, single submitter. Criteria: Ambry Variant Classification Scheme 2023. Collection method: clinical testing. Allele origin: germline.

Labcorp Genetics (formerly Invitae), Labcorp
Classification: Uncertain significance. Last evaluated: 2023-12-02. Review status: criteria provided, single submitter. Criteria: Invitae Variant Classification Sherloc (09022015). Collection method: clinical testing. Allele origin: germline.
Comment: This sequence change replaces phenylalanine, which is neutral and non-polar, with leucine, which is neutral and non-polar, at codon 942 of the NUP160 protein (p.Phe942Leu). This variant is present in population databases (rs181012736, gnomAD 0.009%). This variant has not been reported in the literature in individuals affected with NUP160-related conditions. ClinVar contains an entry for this variant (Variation ID: 2194759). An algorithm developed to predict the effect of missense changes on protein structure and function (PolyPhen-2) suggests that this variant is likely to be disruptive. In summary, the available evidence is currently insufficient to determine the role of this variant in disease. Therefore, it has been classified as a Variant of Uncertain Significance.